The following is an entry in ClinVar:

NM_000719.7(CACNA1C):c.814G>A (p.Ala272Thr)

Gene: CACNA1C (calcium voltage-gated channel subunit alpha1 C; plus strand). Cytogenetic location: 12p13.33.
Variant type: single nucleotide variant.
Coding change: c.814G>A on transcript NM_000719.7 (MANE Select); coding-DNA position 814, G replaced by A.
Protein change: p.Ala272Thr; replaces alanine 272 with threonine.
Molecular consequence: missense variant.
Genome position (GRCh38, 1-based): chr12:2,486,160, G>A. VCF-style: chr12-2486160-G-A. GRCh37 (hg19) VCF-style: chr12-2595326-G-A.
Other names: c.814G>A, p.Ala272Thr (NM_001129840.2, NM_001129841.2, NM_001129842.2 and 19 more transcripts); short protein forms A272T.
Identifiers: ClinVar variation 3609031 (VCV003609031.2).
Genomic context (GRCh38, chr12:2,486,160, plus strand): 5'-GCAGGTCTCCAGGTGGTCCTGAATTCCATCATCAAGGCCATGGTCCCCCTGCTGCACATC[G>A]CCCTGCTTGTGCTGTTTGTCATCATCATCTACGCCATCATCGGCTTGGAGCTCTTCATGG-3'
Protein context (NP_000710.5, residues 262-282): IKAMVPLLHI[Ala272Thr]LLVLFVIIIY

ClinVar aggregate classification (germline): Uncertain significance (1 of 4 stars; one submission).

Conditions:
Long QT syndrome (LQTS). Identifiers: MedGen C0023976, MeSH D008133, MONDO:0002442. Disease mechanism: loss of function. Inheritance: Various modes of inheritance.

Submission:

Labcorp Genetics (formerly Invitae), Labcorp
Classification: Uncertain significance for Long QT syndrome. Last evaluated: 2025-08-03. Review status: criteria provided, single submitter. Criteria: Invitae Variant Classification Sherloc (09022015). Collection method: clinical testing. Allele origin: germline.
Comment: This sequence change replaces alanine, which is neutral and non-polar, with threonine, which is neutral and polar, at codon 272 of the CACNA1C protein (p.Ala272Thr). This variant is not present in population databases (gnomAD no frequency). This variant has not been reported in the literature in individuals affected with CACNA1C-related conditions. ClinVar contains an entry for this variant (Variation ID: 3609031). Invitae Evidence Modeling of protein sequence and biophysical properties (such as structural, functional, and spatial information, amino acid conservation, physicochemical variation, residue mobility, and thermodynamic stability) has been performed for this missense variant. However, the output from this modeling did not meet the statistical confidence thresholds required to predict the impact of this variant on CACNA1C protein function. In summary, the available evidence is currently insufficient to determine the role of this variant in disease. Therefore, it has been classified as a Variant of Uncertain Significance.